The following is an entry in ClinVar:

ClinVar aggregate classification (germline): Likely benign. Review status: criteria provided, multiple submitters, no conflicts (2 of 4 stars). 2 submissions from 2 submitters: Likely benign (2). Last evaluated 2026-01-01.

Allele frequency attached by ClinVar (database versions not stated): TOPMed 0.00001; gnomAD exomes 0.00003.
gnomAD v4.1: 45 of 1,614,180 alleles (0.0028%); highest among the groups gnomAD compares: Middle Eastern, 0.016%; no homozygotes.

Submissions (2):

CeGaT Center for Human Genetics Tuebingen
Classification: Likely benign. Last evaluated: 2026-01-01. Review status: criteria provided, single submitter. Criteria: CeGaT Center For Human Genetics Tuebingen Variant Classification Criteria Version 2. Collection method: clinical testing. Allele origin: germline. Affected: yes. Observed: 1 variant allele.
Comment: CDK13: BP4

Labcorp Genetics (formerly Invitae), Labcorp
Classification: Likely benign. Last evaluated: 2024-05-05. Review status: criteria provided, single submitter. Criteria: Invitae Variant Classification Sherloc (09022015). Collection method: clinical testing. Allele origin: germline.

NM_003718.5(CDK13):c.1499C>T (p.Thr500Met)

Gene: CDK13 (cyclin dependent kinase 13; plus strand). Cytogenetic location: 7p14.1.
Variant type: single nucleotide variant.
Coding change: c.1499C>T on transcript NM_003718.5 (MANE Select); coding-DNA position 1499, C replaced by T.
Protein change: p.Thr500Met; replaces threonine 500 with methionine.
Molecular consequence: missense variant.
Genome position (GRCh38, 1-based): chr7:39,987,886, C>T. VCF-style: chr7-39987886-C-T. GRCh37 (hg19) VCF-style: chr7-40027485-C-T.
Other names: c.1499C>T, p.Thr500Met (NM_031267.4); short protein forms T500M.
Identifiers: ClinVar variation 1133176 (VCV001133176.13), dbSNP rs922943045, ClinGen allele CA157246515.